The following is an entry in ClinVar:

NM_004329.3(BMPR1A):c.1167-11T>C

Gene: BMPR1A (bone morphogenetic protein receptor type 1A; plus strand). Cytogenetic location: 10q23.2.
Variant type: single nucleotide variant.
Coding change: c.1167-11T>C on transcript NM_004329.3 (MANE Select); 11 bases into the intron before coding-DNA position 1167, T replaced by C.
Molecular consequence: intron variant.
Genome position (GRCh38, 1-based): chr10:86,921,509, T>C. VCF-style: chr10-86921509-T-C. GRCh37 (hg19) VCF-style: chr10-88681266-T-C.
Identifiers: ClinVar variation 631125 (VCV000631125.13), dbSNP rs762641480, ClinGen allele CA5585673.

ClinVar aggregate classification (germline): Conflicting classifications of pathogenicity. Review status: criteria provided, conflicting classifications (1 of 4 stars). 3 submissions from 3 submitters: Uncertain significance (1); Likely benign (2). Last evaluated 2024-08-08.

Conditions:
Juvenile polyposis syndrome (JPS). Identifiers: Orphanet 2929, MedGen C0345893, MONDO:0017380, OMIM 174900.
Hereditary cancer-predisposing syndrome. Also called: Hereditary Cancer Syndrome; Neoplastic Syndromes, Hereditary; Tumor predisposition; Hereditary neoplastic syndrome. Identifiers: Orphanet 140162, MedGen C0027672, MeSH D009386, MONDO:0015356.

Allele frequency attached by ClinVar (database versions not stated): ExAC 0.00001; gnomAD exomes 0.00001.
gnomAD v4.1: 14 of 1,613,864 alleles (0.00087%); highest among the groups gnomAD compares: Non-Finnish European, 0.0012%; no homozygotes.

Submissions (3):

Labcorp Genetics (formerly Invitae), Labcorp
Classification: Likely benign for Juvenile polyposis syndrome. Last evaluated: 2024-08-08. Review status: criteria provided, single submitter. Criteria: Invitae Variant Classification Sherloc (09022015). Collection method: clinical testing. Allele origin: germline.

Myriad Genetics, Inc.
Classification: Likely benign for Juvenile polyposis syndrome. Last evaluated: 2024-08-07. Review status: criteria provided, single submitter. Criteria: Myriad Autosomal Dominant, Autosomal Recessive and X-Linked Classification Criteria (2023). Collection method: clinical testing. Allele origin: unknown.
Comment: This variant is considered likely benign. This variant is intronic and is not expected to impact mRNA splicing.

Color Diagnostics, LLC DBA Color Health
Classification: Uncertain significance for Hereditary cancer-predisposing syndrome. Last evaluated: 2019-12-10. Review status: criteria provided, single submitter. Criteria: ACMG Guidelines, 2015. Collection method: clinical testing. Allele origin: germline.
Comment: This variant causes a T>C nucleotide substitution at the -11 position of intron 10 of the BMPR1A gene. To our knowledge, functional studies have not been performed for this variant. This variant has not been reported in individuals affected with hereditary cancer in the literature. This variant has been identified in 2/251144 chromosomes in the general population by the Genome Aggregation Database (gnomAD). The available evidence is insufficient to determine the role of this variant in disease conclusively. Therefore, this variant is classified as a Variant of Uncertain Significance.